The following is an entry in ClinVar:

NM_173495.3(PTCHD1):c.2186T>A (p.Leu729His)

Gene: PTCHD1 (patched domain containing 1; plus strand). Cytogenetic location: Xp22.11.
Variant type: single nucleotide variant.
Coding change: c.2186T>A on transcript NM_173495.3 (MANE Select); coding-DNA position 2186, T replaced by A.
Protein change: p.Leu729His; replaces leucine 729 with histidine.
Molecular consequence: missense variant.
Genome position (GRCh38, 1-based): chrX:23,393,704, T>A. VCF-style: chrX-23393704-T-A. GRCh37 (hg19) VCF-style: chrX-23411821-T-A.
Other names: p.Leu729His; short protein forms L729H.
Identifiers: ClinVar variation 2687880 (VCV002687880.1), dbSNP rs2518767493, ClinGen allele CA412587463.
Genomic context (GRCh38, chrX:23,393,704, plus strand): 5'-TCCTGCTCTTCTTCTCGGCATTCCTGGTGGCAGATTCACTGATTAACGTCTGGATCACTC[T>A]CACAGTTGTGTCCGTGGAGTTTGGAGTGATAGGTTTCATGACATTATGGAAAGTAGAACT-3'
Protein context (NP_775766.2, residues 719-739): ADSLINVWIT[Leu729His]TVVSVEFGVI

ClinVar aggregate classification (germline): Uncertain significance (1 of 4 stars; one submission).

Conditions:
Autism, susceptibility to, X-linked 4 (AUTSX4). Identifiers: MedGen C0795888, MONDO:0010440, OMIM 300830.

Submission:

Clinical Genomics Laboratory, Stanford Medicine
Classification: Uncertain significance for Autism, susceptibility to, X-linked 4. Last evaluated: 2021-04-15. Review status: criteria provided, single submitter. Criteria: ACMG Guidelines, 2015. Collection method: clinical testing. Allele origin: germline. Inheritance: X-linked inheritance. Affected: yes. Observed: 1 heterozygote.
Comment: This variant was absent from large population databases, including the Genome Aggregation Database. Computational tools predict that the p.Leu729His is deleterious; however, the accuracy of in silico algorithms is limited. These data were assessed using the ACMG/AMP variant interpretation guidelines. In summary, the significance of the p.Leu729His variant is uncertain. Additional information is needed to resolve the significance of this variant. [ACMG evidence codes used: PS2_Supporting; PM2; PP3]